The following is an entry in ClinVar:

NM_007294.4(BRCA1):c.5276A>C (p.Lys1759Thr)

Gene: BRCA1 (BRCA1 DNA repair associated; minus strand). Cytogenetic location: 17q21.31.
Variant type: single nucleotide variant.
Coding change: c.5276A>C on transcript NM_007294.4 (MANE Select); coding-DNA position 5276, A replaced by C.
Protein change: p.Lys1759Thr; replaces lysine 1759 with threonine.
Molecular consequence: missense variant. On other transcripts: non-coding transcript variant (1).
Genome position (GRCh38, 1-based): chr17:43,057,053, T>G on the plus strand (A>C on the coding strand, the complement: BRCA1 is on the minus strand). VCF-style: chr17-43057053-T-G. GRCh37 (hg19) VCF-style: chr17-41209070-T-G.
Other names: c.5063A>C, p.Lys1688Thr (NM_001407571.1, NM_001407900.1, NM_001407902.1 and 12 more transcripts); c.5342A>C, p.Lys1781Thr (NM_001407581.1, NM_001407582.1); c.5339A>C, p.Lys1780Thr (NM_001407583.1, NM_001407585.1, NM_001407587.1 and 1 more transcripts); c.5273A>C, p.Lys1758Thr (NM_001407610.1, NM_001407611.1, NM_001407612.1 and 17 more transcripts); c.5270A>C, p.Lys1757Thr (NM_001407629.1, NM_001407630.1, NM_001407631.1 and 14 more transcripts); c.5216A>C, p.Lys1739Thr (NM_001407649.1); c.5198A>C, p.Lys1733Thr (NM_001407652.1, NM_001407653.1, NM_001407654.1 and 1 more transcripts); c.5195A>C, p.Lys1732Thr (NM_001407656.1, NM_001407657.1, NM_001407658.1); and 72 more; short protein forms K1780T, K655T, K1712T, K1759T, K1671T, K1689T, K1692T, K1711T.
Identifiers: ClinVar variation 868249 (VCV000868249.3), dbSNP rs431825415, ClinGen allele CA10591000.

Conditions:
Breast-ovarian cancer, familial, susceptibility to, 1 (BROVCA1). Also called: BRCA1 Hereditary Breast and Ovarian Cancer; OVARIAN CANCER, SUSCEPTIBILITY TO. Identifiers: Orphanet 145, MedGen C2676676, MONDO:0011450, OMIM 604370. Disease mechanism: loss of function.

Submission:

Brotman Baty Institute, University of Washington
No classification provided (evidence only). Condition: Breast-ovarian cancer, familial 1. Review status: no classification provided. Collection method: in vitro. Allele origin: not applicable. Functional consequence: functionally_normal.
ClinVar note: "not provided" was previously submitted as the classification for the variant. However, the classification appeared to be based only on an observation of functional data so it was converted to no classification on 2025-07-30.